The following is an entry in ClinVar:

NM_213655.5(WNK1):c.3371G>A (p.Gly1124Glu)

Gene: WNK1 (WNK lysine deficient protein kinase 1; plus strand). Cytogenetic location: 12p13.33.
Variant type: single nucleotide variant.
Coding change: c.3371G>A on transcript NM_213655.5 (MANE Plus Clinical); coding-DNA position 3371, G replaced by A.
Protein change: p.Gly1124Glu; replaces glycine 1124 with glutamic acid.
Molecular consequence: missense variant. On other transcripts: intron variant (2).
Genome position (GRCh38, 1-based): chr12:868,842, G>A. VCF-style: chr12-868842-G-A. GRCh37 (hg19) VCF-style: chr12-978008-G-A.
Other names: c.3116G>A (NM_001184985.1); c.3116G>A, p.Gly1039Glu (NM_001184985.2); c.2140-2423G>A (NM_018979.4, NM_014823.3); short protein forms G1124E, G1039E.
Identifiers: ClinVar variation 452834 (VCV000452834.23), dbSNP rs201042606, ClinGen allele CA6382347.

ClinVar aggregate classification (germline): Conflicting classifications of pathogenicity. Review status: criteria provided, conflicting classifications (1 of 4 stars). 6 submissions from 6 submitters: Uncertain significance (5); Likely benign (1). Last evaluated 2026-08-24.

Conditions:
WNK1-related disorder. Also called: WNK1-related condition.
Inborn genetic diseases. Identifiers: MedGen C0950123, MeSH D030342.
Neuropathy, hereditary sensory and autonomic, type 2A (HSAN2A). Also called: HSAN IIA; ACROOSTEOLYSIS, GIACCAI TYPE; ACROOSTEOLYSIS, NEUROGENIC; MORVAN DISEASE; NEUROPATHY, CONGENITAL SENSORY; NEUROPATHY, HEREDITARY SENSORY RADICULAR, AUTOSOMAL RECESSIVE. Identifiers: Orphanet 970, MedGen C2752089, MONDO:0024309, OMIM 201300.
Pseudohypoaldosteronism type 2C (PHA2C). Also called: Pseudohypoaldosteronism Type IIC. Identifiers: Orphanet 757, Orphanet 88940, MedGen C1840391, MONDO:0013778, OMIM 614492.

Allele frequency attached by ClinVar (database versions not stated): ExAC 0.00014; gnomAD exomes 0.00014 and 0.00034; TOPMed 0.00015; gnomAD 0.00022 and 0.00024; ESP Exome Variant Server 0.00025.
gnomAD v4.1: 520 of 1,613,900 alleles (0.032%); highest among the groups gnomAD compares: Non-Finnish European, 0.042%; no homozygotes.

Submissions (6):

PreventionGenetics, part of Exact Sciences
Classification: Uncertain significance for WNK1-related condition. Last evaluated: 2026-08-24. Review status: criteria provided, single submitter. Criteria: ACMG Guidelines, 2015. Collection method: clinical testing. Allele origin: germline.
Comment: The WNK1 c.3116G>A variant is predicted to result in the amino acid substitution p.Gly1039Glu. To our knowledge, this variant has not been reported in the literature. This variant is reported in 0.030% of alleles in individuals of European (Non-Finnish) descent in gnomAD. Although we suspect that this variant may be benign, at this time, the clinical significance of this variant is uncertain due to the absence of conclusive functional and genetic evidence.

Labcorp Genetics (formerly Invitae), Labcorp
Classification: Likely benign for Neuropathy, hereditary sensory and autonomic, type 2A; Pseudohypoaldosteronism type 2C. Last evaluated: 2025-11-18. Review status: criteria provided, single submitter. Criteria: Invitae Variant Classification Sherloc (09022015). Collection method: clinical testing. Allele origin: germline.

Blueprint Genetics
Classification: Uncertain significance. Last evaluated: 2024-10-28. Review status: criteria provided, single submitter. Criteria: ACMG Guidelines, 2015. Collection method: clinical testing. Allele origin: germline.

Ambry Genetics
Classification: Uncertain significance for Inborn genetic diseases. Last evaluated: 2022-05-20. Review status: criteria provided, single submitter. Criteria: Ambry Variant Classification Scheme 2023. Collection method: clinical testing. Allele origin: germline.
Comment: The p.G1124E variant (also known as c.3371G>A), located in coding exon 10 of the WNK1 gene, results from a G to A substitution at nucleotide position 3371. The glycine at codon 1124 is replaced by glutamic acid, an amino acid with similar properties. This amino acid position is not well conserved in available vertebrate species. In addition, this alteration is predicted to be tolerated by in silico analysis. Since supporting evidence is limited at this time, the clinical significance of this alteration remains unclear.

ARUP Laboratories, Molecular Genetics and Genomics, ARUP Laboratories
Classification: Uncertain significance. Last evaluated: 2021-01-12. Review status: criteria provided, single submitter. Criteria: ARUP Molecular Germline Variant Investigation Process 2021. Collection method: clinical testing. Allele origin: germline.
Comment: The WNK1 c.3371G>A; p.Gly1124Glu variant (rs201042606), to our knowledge, is not reported in the medical literature but is reported in ClinVar (Variation ID: 452834). This variant is found in the general population with an overall allele frequency of 0.016 % (44 / 280,486 alleles) in the Genome Aggregation Database. The glycine at codon 1124 is weakly conserved, and computational analyses predict that this variant is neutral (REVEL: 0.04). Due to limited information, the clinical significance of the p.Gly1124Glu variant is uncertain at this time.

GeneDx
Classification: Uncertain significance. Last evaluated: 2017-10-17. Review status: criteria provided, single submitter. Criteria: GeneDx Variant Classification (06012015). Collection method: clinical testing. Allele origin: germline. Affected: yes.
Comment: A variant of uncertain significance has been identified in the WNK1 gene. The G1124E variant hasnot been published as a pathogenic variant, nor has it been reported as a benign variant to ourknowledge. The G1124E variant is observed in 40/126,596 (0.03%) alleles from individuals ofEuropean background (Lek et al., 2016). The G1124E variant is a non-conservative amino acidsubstitution, which is likely to impact secondary protein structure as these residues differ in polarity,charge, size and/or other properties. This substitution occurs at a position that is not conserved. In silico analysis is inconsistent in its predictions as to whether or not the variant is damaging to theprotein structure/function. Therefore, based on the currently available information, it is unclearwhether this variant is a pathogenic variant or a rare benign variant.